The following is an entry in ClinVar:

NC_000003.11:g.(?_4494540)_(4494753_?)del

Gene: SUMF1 (sulfatase modifying factor 1; minus strand). Cytogenetic location: 3p26.1.
Variant type: Deletion.
Identifiers: ClinVar variation 1348585 (VCV001348585.7).

ClinVar aggregate classification (germline): Pathogenic (1 of 4 stars; one submission).

Conditions:
Multiple sulfatase deficiency (MSD). Also called: Mucosulfatidosis; Multiple Sulfatase Deficiency Disease; Sulfatidosis, Juvenile, Austin Type. Identifiers: Orphanet 585, MedGen C0268263, MONDO:0010088, OMIM 272200.

Submission:

Labcorp Genetics (formerly Invitae), Labcorp
Classification: Pathogenic for Multiple sulfatase deficiency. Last evaluated: 2023-04-21. Review status: criteria provided, single submitter. Criteria: Invitae Variant Classification Sherloc (09022015). Collection method: clinical testing. Allele origin: germline.
Comment: For these reasons, this variant has been classified as Pathogenic. This variant disrupts a region of the SUMF1 protein in which other variant(s) (p.Glu113Lys) have been determined to be pathogenic (PMID: 28566233). This suggests that this is a clinically significant region of the protein, and that variants that disrupt it are likely to be disease-causing. This variant has not been reported in the literature in individuals affected with SUMF1-related conditions. This variant is a gross deletion of the genomic region encompassing exon(s) 2 of the SUMF1 gene. This variant would be expected to be in-frame, preserving the integrity of the reading frame.

Literature cited by the submitters: PubMed 28566233.